The following is an entry in ClinVar:

ClinVar aggregate classification (germline): Benign. Review status: criteria provided, single submitter (1 of 4 stars). 2 submissions from 2 submitters: Benign (1). 1 of the submissions does not count toward it. Last evaluated 2021-08-19.

Conditions:
Polydactyly, postaxial, type a7. Identifiers: MedGen C4539976, MONDO:0060550, OMIM 617642.
IQCE-related disorder. Also called: IQCE-related condition.

Allele frequency attached by ClinVar (database versions not stated): ESP Exome Variant Server 0.12235; gnomAD 0.15186 and 0.16114; TOPMed 0.15830; gnomAD exomes 0.16418 and 0.20416; ExAC 0.21428; 1000 Genomes Project 30x 0.24797; 1000 Genomes Project 0.25499.
gnomAD v4.1: 262,716 of 1,603,448 alleles (16%); highest among the groups gnomAD compares: East Asian, 47%; 26,198 homozygotes.

Submissions (2):

Genome-Nilou Lab
Classification: Benign for Polydactyly, postaxial, type a7. Last evaluated: 2021-08-19. Review status: criteria provided, single submitter. Criteria: ACMG Guidelines, 2015. Collection method: clinical testing. Allele origin: germline. Affected: no.

PreventionGenetics, part of Exact Sciences
Classification: Benign for IQCE-related condition. Last evaluated: 2023-02-01. Review status: no assertion criteria provided. Collection method: clinical testing. Allele origin: germline. Not counted in ClinVar's aggregate classification.
Comment: This variant is classified as benign based on ACMG/AMP sequence variant interpretation guidelines (Richards et al. 2015 PMID: 25741868, with internal and published modifications).

NM_152558.5(IQCE):c.1760G>A (p.Arg587His)

Gene: IQCE (IQ motif containing E; plus strand). Cytogenetic location: 7p22.3.
Variant type: single nucleotide variant.
Coding change: c.1760G>A on transcript NM_152558.5 (MANE Select); coding-DNA position 1760, G replaced by A.
Protein change: p.Arg587His; replaces arginine 587 with histidine.
Molecular consequence: missense variant.
Genome position (GRCh38, 1-based): chr7:2,605,892, G>A. VCF-style: chr7-2605892-G-A. GRCh37 (hg19) VCF-style: chr7-2645526-G-A.
Other names: c.1760G>A, p.Arg587His (NM_001287499.2); c.1712G>A, p.Arg571His (NM_001287500.2); c.1565G>A, p.Arg522His (NM_001287501.2, NM_001287502.2); c.1760G>A (NM_152558.4); short protein forms R522H, R571H, R587H.
Identifiers: ClinVar variation 1300124 (VCV001300124.4), dbSNP rs10950797, ClinGen allele CA4129463.